The following is an entry in ClinVar:

ClinVar aggregate classification (germline): Likely benign. Review status: criteria provided, multiple submitters, no conflicts (2 of 4 stars). 7 submissions from 7 submitters: Likely benign (6). 1 of the submissions does not count toward it. Last evaluated 2026-07-01.

Conditions:
Glycogen storage disease, type II (IOPD). Also called: Glycogen storage disease type 2; Acid maltase deficiency disease; Aglucosidase alfa; Deficiency of alpha-glucosidase; Deficiency of lysosomal alpha-glucosidase; POMPE DISEASE, INFANTILE-ONSET. Identifiers: Orphanet 365, MedGen C0017921, MONDO:0009290, OMIM 232300.
Cardiovascular phenotype. Identifiers: MedGen CN230736.
GAA-related disorder. Also called: GAA-related condition.

Allele frequency attached by ClinVar (database versions not stated): gnomAD exomes 0.00003 and 0.00004; ExAC 0.00006; ESP Exome Variant Server 0.00008; gnomAD 0.00009 and 0.00011; TOPMed 0.00009.
gnomAD v4.1: 55 of 1,608,818 alleles (0.0034%); highest among the groups gnomAD compares: African/African-American, 0.02%; no homozygotes.

Submissions (7):

Genomenon, Inc
Classification: Likely benign for Glycogen storage disease, type II. Last evaluated: 2026-07-01. Review status: criteria provided, single submitter. Criteria: Genomenon Sequence Variant Interpretation Standards - Updated. Collection method: curation. Allele origin: germline. Affected: no.
Comment: GAA c.1872C>T is a synonymous variant that retains Leucine at codon 624. This variant has been reported in the published literature (PMID:18425781). It is absent or not present at a significant frequency in gnomAD. This variant is not predicted to impact splicing. In conclusion, we classify GAA c.1872C>T (p.Leu624=) as a likely benign variant.

CeGaT Center for Human Genetics Tuebingen
Classification: Likely benign. Last evaluated: 2026-06-01. Review status: criteria provided, single submitter. Criteria: CeGaT Center For Human Genetics Tuebingen Variant Classification Criteria Version 2. Collection method: clinical testing. Allele origin: germline. Affected: yes. Observed: 1 variant allele.
Comment: GAA: BP4, BP7

Labcorp Genetics (formerly Invitae), Labcorp
Classification: Likely benign for Glycogen storage disease, type II. Last evaluated: 2025-12-08. Review status: criteria provided, single submitter. Criteria: Invitae Variant Classification Sherloc (09022015). Collection method: clinical testing. Allele origin: germline.

Blueprint Genetics
Classification: Likely benign. Last evaluated: 2024-11-12. Review status: criteria provided, single submitter. Criteria: ACMG Guidelines, 2015. Collection method: clinical testing. Allele origin: germline.

Ambry Genetics
Classification: Likely benign for Cardiovascular phenotype. Last evaluated: 2022-08-03. Review status: criteria provided, single submitter. Criteria: Ambry Variant Classification Scheme 2023. Collection method: clinical testing. Allele origin: germline.

GeneDx
Classification: Likely benign. Last evaluated: 2017-07-27. Review status: criteria provided, single submitter. Criteria: GeneDx Variant Classification (06012015). Collection method: clinical testing. Allele origin: germline. Affected: yes.
Comment: This variant is considered likely benign or benign based on one or more of the following criteria: it is a conservative change, it occurs at a poorly conserved position in the protein, it is predicted to be benign by multiple in silico algorithms, and/or has population frequency not consistent with disease.

PreventionGenetics, part of Exact Sciences
Classification: Likely benign for GAA-related condition. Last evaluated: 2021-02-03. Review status: no assertion criteria provided. Collection method: clinical testing. Allele origin: germline. Not counted in ClinVar's aggregate classification.
Comment: This variant is classified as likely benign based on ACMG/AMP sequence variant interpretation guidelines (Richards et al. 2015 PMID: 25741868, with internal and published modifications).

Literature cited by the submitters: PubMed 18425781 (cited by Genomenon, Inc).

NM_000152.5(GAA):c.1872C>T (p.Leu624=)

Gene: GAA (alpha glucosidase; plus strand). Cytogenetic location: 17q25.3.
Variant type: single nucleotide variant.
Coding change: c.1872C>T on transcript NM_000152.5 (MANE Select); coding-DNA position 1872, C replaced by T.
Protein change: p.Leu624=; no amino-acid change (leucine 624 retained).
Molecular consequence: synonymous variant.
Genome position (GRCh38, 1-based): chr17:80,112,695, C>T. VCF-style: chr17-80112695-C-T. GRCh37 (hg19) VCF-style: chr17-78086494-C-T.
Other names: c.1872C>T (LRG_673t1, NM_000152.4); c.1872C>T, p.Leu624= (NM_001079803.3, NM_001079804.3).
Identifiers: ClinVar variation 506725 (VCV000506725.19), dbSNP rs373103422, ClinGen allele CA8815503.
Genomic context (GRCh38, chr17:80,112,695, plus strand): 5'-TGGCCACGGCCGATACGCCGGCCACTGGACGGGGGACGTGTGGAGCTCCTGGGAGCAGCT[C>T]GCCTCCTCCGTGCCAGGTGAGCTCCTACCAGGAGGGGCTGCTCAGCAGAGTAGAGCCGGG-3'
Protein context (NP_000143.2, residues 614-634): TGDVWSSWEQ[Leu624=]ASSVPEILQF